The following is an entry in ClinVar:

NM_015909.4(NBAS):c.1987C>A (p.Gln663Lys)

Gene: NBAS (NBAS subunit of NRZ tethering complex; minus strand). Cytogenetic location: 2p24.3.
Variant type: single nucleotide variant.
Coding change: c.1987C>A on transcript NM_015909.4 (MANE Select); coding-DNA position 1987, C replaced by A.
Protein change: p.Gln663Lys; replaces glutamine 663 with lysine.
Molecular consequence: missense variant. On other transcripts: non-coding transcript variant (1).
Genome position (GRCh38, 1-based): chr2:15,467,695, G>T on the plus strand (C>A on the coding strand, the complement: NBAS is on the minus strand). VCF-style: chr2-15467695-G-T. GRCh37 (hg19) VCF-style: chr2-15607819-G-T.
Other names: short protein forms Q663K.
Identifiers: ClinVar variation 3251650 (VCV003251650.1), dbSNP rs761330483.
Genomic context (GRCh38, chr2:15,467,695, plus strand): 5'-TATCAAATGAACAGTAACAACTCATTTACTTGGAAAAGTTCACTAATTTCAGTAGTTCTT[G>T]TCTCTTCTTGAGCTCCTTTTCCTTTTTATTCTTGGCAGGCTCTTCATCAGGTGGTGAAAG-3'
Protein context (NP_056993.2, residues 653-673): NKKEKELKKR[Gln663Lys]ELLKLVNFSK

ClinVar aggregate classification (germline): Uncertain significance (1 of 4 stars; one submission).

gnomAD v4.1: 1 of 1,612,706 alleles (0.000062%); highest among the groups gnomAD compares: East Asian, 0.0022%; no homozygotes.

Submission:

Women's Health and Genetics/Laboratory Corporation of America, LabCorp
Classification: Uncertain significance. Last evaluated: 2024-04-26. Review status: criteria provided, single submitter. Criteria: LabCorp Variant Classification Summary - May 2015. Collection method: clinical testing. Allele origin: germline.
Comment: Variant summary: NBAS c.1987C>A (p.Gln663Lys) results in a conservative amino acid change in the encoded protein sequence. Five of five in-silico tools predict a benign effect of the variant on protein function. The variant allele was found at a frequency of 4e-06 in 250344 control chromosomes. The available data on variant occurrences in the general population are insufficient to allow any conclusion about variant significance. To our knowledge, no occurrence of c.1987C>A in individuals affected with Liver Failure Acute Infantile, Type 2 and no experimental evidence demonstrating its impact on protein function have been reported. No submitters have cited clinical-significance assessments for this variant to ClinVar. Based on the evidence outlined above, the variant was classified as uncertain significance.